The following is an entry in ClinVar:

ClinVar aggregate classification (germline): Uncertain significance. Review status: criteria provided, multiple submitters, no conflicts (2 of 4 stars). 2 submissions from 2 submitters: Uncertain significance (2). Last evaluated 2025-12-22.

Conditions:
Charcot-Marie-Tooth disease type 2. Also called: Charcot-Marie-Tooth type 2. Identifiers: Orphanet 64746, MedGen C0270914, MONDO:0018993.

Allele frequency attached by ClinVar (database versions not stated): ExAC 0.00002; gnomAD exomes below 0.00001.
gnomAD v4.1: 2 of 1,613,808 alleles (0.00012%); highest among the groups gnomAD compares: East Asian, 0.0045%; no homozygotes.

Submissions (2):

Ambry Genetics
Classification: Uncertain significance. Last evaluated: 2025-12-22. Review status: criteria provided, single submitter. Criteria: Ambry Variant Classification Scheme 2023. Collection method: clinical testing. Allele origin: germline.

Labcorp Genetics (formerly Invitae), Labcorp
Classification: Uncertain significance for Charcot-Marie-Tooth disease type 2. Last evaluated: 2024-10-15. Review status: criteria provided, single submitter. Criteria: Invitae Variant Classification Sherloc (09022015). Collection method: clinical testing. Allele origin: germline.
Comment: This sequence change replaces serine, which is neutral and polar, with glycine, which is neutral and non-polar, at codon 1559 of the KIF1B protein (p.Ser1559Gly). This variant is present in population databases (rs774680077, gnomAD 0.006%). This variant has not been reported in the literature in individuals affected with KIF1B-related conditions. ClinVar contains an entry for this variant (Variation ID: 2563652). An algorithm developed to predict the effect of missense changes on protein structure and function (PolyPhen-2) suggests that this variant is likely to be disruptive. In summary, the available evidence is currently insufficient to determine the role of this variant in disease. Therefore, it has been classified as a Variant of Uncertain Significance.

NM_001365951.3(KIF1B):c.4813A>G (p.Ser1605Gly)

Gene: KIF1B (kinesin family member 1B; plus strand). Cytogenetic location: 1p36.22.
Variant type: single nucleotide variant.
Coding change: c.4813A>G on transcript NM_001365951.3 (MANE Select); coding-DNA position 4813, A replaced by G.
Protein change: p.Ser1605Gly; replaces serine 1605 with glycine.
Molecular consequence: missense variant.
Genome position (GRCh38, 1-based): chr1:10,368,527, A>G. VCF-style: chr1-10368527-A-G. GRCh37 (hg19) VCF-style: chr1-10428585-A-G.
Other names: c.4813A>G, p.Ser1605Gly (NM_001365952.1); c.4675A>G, p.Ser1559Gly (NM_015074.3); short protein forms S1559G, S1605G.
Identifiers: ClinVar variation 2563652 (VCV002563652.7), dbSNP rs774680077, ClinGen allele CA582182.